The following is an entry in ClinVar:

ClinVar aggregate classification (germline): Uncertain significance. Review status: criteria provided, multiple submitters, no conflicts (2 of 4 stars). 2 submissions from 2 submitters: Uncertain significance (2). Last evaluated 2026-03-19.

Conditions:
Inborn genetic diseases. Identifiers: MedGen C0950123, MeSH D030342.

gnomAD v4.1: 4 of 1,613,392 alleles (0.00025%); highest among the groups gnomAD compares: Non-Finnish European, 0.00034%; no homozygotes.

Submissions (2):

Ambry Genetics
Classification: Uncertain significance for Inborn genetic diseases. Last evaluated: 2026-03-19. Review status: criteria provided, single submitter. Criteria: Ambry Variant Classification Scheme 2023. Collection method: clinical testing. Allele origin: germline.

Labcorp Genetics (formerly Invitae), Labcorp
Classification: Uncertain significance. Last evaluated: 2025-02-15. Review status: criteria provided, single submitter. Criteria: Invitae Variant Classification Sherloc (09022015). Collection method: clinical testing. Allele origin: germline.
Comment: This sequence change replaces glutamic acid, which is acidic and polar, with glutamine, which is neutral and polar, at codon 255 of the COL11A1 protein (p.Glu255Gln). This variant is not present in population databases (gnomAD no frequency). This variant has not been reported in the literature in individuals affected with COL11A1-related conditions. ClinVar contains an entry for this variant (Variation ID: 1501362). Invitae Evidence Modeling of protein sequence and biophysical properties (such as structural, functional, and spatial information, amino acid conservation, physicochemical variation, residue mobility, and thermodynamic stability) indicates that this missense variant is not expected to disrupt COL11A1 protein function with a negative predictive value of 95%. In summary, the available evidence is currently insufficient to determine the role of this variant in disease. Therefore, it has been classified as a Variant of Uncertain Significance.

NM_001854.4(COL11A1):c.763G>C (p.Glu255Gln)

Gene: COL11A1 (collagen type XI alpha 1 chain; minus strand). Cytogenetic location: 1p21.1.
Variant type: single nucleotide variant.
Coding change: c.763G>C on transcript NM_001854.4 (MANE Select); coding-DNA position 763, G replaced by C.
Protein change: p.Glu255Gln; replaces glutamic acid 255 with glutamine.
Molecular consequence: missense variant. On other transcripts: non-coding transcript variant (1).
Genome position (GRCh38, 1-based): chr1:103,031,133, C>G on the plus strand (G>C on the coding strand, the complement: COL11A1 is on the minus strand). VCF-style: chr1-103031133-C-G. GRCh37 (hg19) VCF-style: chr1-103496689-C-G.
Other names: c.763G>C, p.Glu255Gln (NM_001190709.2, NM_080629.3, NM_080630.4); c.763G>C (NM_001854.3); short protein forms E255Q.
Identifiers: ClinVar variation 1501362 (VCV001501362.9), dbSNP rs768132080, ClinGen allele CA341159256.
Genomic context (GRCh38, chr1:103,031,133, plus strand): 5'-ATCACTGAAATACGAAGACCTTCTCTGGTCTTGTGCTCCTCACCTCATCTATCTGAGGTT[C>G]CTGAGCTTGAGCAGCCTTGGGTGCTGAAGAGTCACAGTCTGGACTATAATGCTCACAGTA-3'
Protein context (NP_001845.3, residues 245-265): SSAPKAAQAQ[Glu255Gln]PQIDEYAPED